The following is an entry in ClinVar:

NM_000500.9(CYP21A2):c.448C>A (p.Arg150Ser)

Genes: CYP21A2 (cytochrome P450 family 21 subfamily A member 2; plus strand), LOC106780800 (CYP21A2 recombination region; plus strand). Cytogenetic location: 6p21.33.
Variant type: single nucleotide variant.
Coding change: c.448C>A on transcript NM_000500.9 (MANE Select); coding-DNA position 448, C replaced by A.
Protein change: p.Arg150Ser; replaces arginine 150 with serine.
Molecular consequence: missense variant.
Genome position (GRCh38, 1-based): chr6:32,039,356, C>A. VCF-style: chr6-32039356-C-A. GRCh37 (hg19) VCF-style: chr6-32007133-C-A.
Other names: c.358C>A, p.Arg120Ser (NM_001128590.4); c.43C>A, p.Arg15Ser (NM_001368143.2, NM_001368144.2); short protein forms R120S, R150S, R15S.
Identifiers: ClinVar variation 2634176 (VCV002634176.2), dbSNP rs577450124, ClinGen allele CA3732404.

ClinVar aggregate classification (germline): Uncertain significance. Review status: criteria provided, multiple submitters, no conflicts (2 of 4 stars). 2 submissions from 2 submitters: Uncertain significance (2). Last evaluated 2025-04-14.

Conditions:
CYP21A2-related disorder. Also called: CYP21A2-related condition.

Allele frequency attached by ClinVar (database versions not stated): TOPMed 0.00001.

Submissions (2):

Athena Diagnostics
Classification: Uncertain significance. Last evaluated: 2025-04-14. Review status: criteria provided, single submitter. Criteria: Athena Diagnostics Criteria. Collection method: clinical testing. Allele origin: unknown.
Comment: Available data are insufficient to determine the clinical significance of the variant at this time. This variant is located in a genomic region of low or unreliable sequencing quality, and therefore estimations of its population frequency are uninformative in assessment of variant pathogenicity. Polyphen and MutationTaster predict this amino acid change may be damaging to the protein. At least one other missense variant at this codon is considered to be pathogenic or likely pathogenic, suggesting this variant may also cause disease.

PreventionGenetics, part of Exact Sciences
Classification: Uncertain significance for CYP21A2-related condition. Last evaluated: 2023-09-08. Review status: criteria provided, single submitter. Criteria: ACMG Guidelines, 2015. Collection method: clinical testing. Allele origin: germline.
Comment: The CYP21A2 c.448C>A variant is predicted to result in the amino acid substitution p.Arg150Ser. To our knowledge, this variant has not been reported in the literature. Of note, other substitutions at the same codon have been reported to be pathogenic and associated with non-classic (NC) congenital adrenal hyperplasia (CAH) likely due to reduced (but not eliminated) 21-hydroxylase activity (structure-phenotype correlation study at Haider et al. 2013. PubMed ID: 23359706; c.448C>T, p.Arg150Cys at Taboas et al. 2014. PubMed ID: 24667412; c.449G>C, p.Arg150Pro at Chu et al. 2014. PubMed ID: 23927611 and Wan et al. 2022. PubMed ID: 36167262). Although we suspect that the p.Arg150Ser variant is also pathogenic, at this time, the clinical significance of this variant is uncertain due to the absence of conclusive functional and genetic evidence.

Literature cited by the submitters: PubMed 27966633 (cited by Athena Diagnostics).